The following is an entry in ClinVar:

ClinVar aggregate classification (germline): Uncertain significance. Review status: criteria provided, multiple submitters, no conflicts (2 of 4 stars). 2 submissions from 2 submitters: Uncertain significance (2). Last evaluated 2023-10-06.

Conditions:
Malignant hyperthermia of anesthesia. Also called: Anesthesic-triggered malignant hyperthermia. Identifiers: Orphanet 423, MedGen C0024591, MONDO:0018493, HP:0034733.
Malignant hyperthermia, susceptibility to, 5 (MHS5). Also called: CACNA1S-Related Malignant Hyperthermia Susceptibility. Identifiers: Orphanet 423, MedGen C1866077, MONDO:0011163, OMIM 601887.

Allele frequency attached by ClinVar (database versions not stated): gnomAD exomes below 0.00001; TOPMed 0.00001.
gnomAD v4.1: 1 of 1,612,854 alleles (0.000062%); highest among the groups gnomAD compares: Non-Finnish European, 0.000085%; no homozygotes.

Submissions (2):

All of Us Research Program, National Institutes of Health
Classification: Uncertain significance for Malignant hyperthermia, susceptibility to, 5. Last evaluated: 2023-10-06. Review status: criteria provided, single submitter. Criteria: ACMG Guidelines, 2015. Collection method: clinical testing. Allele origin: germline. Inheritance: Autosomal dominant inheritance. Observed: 1 variant allele, 1 heterozygote.
Comment: This missense variant replaces leucine with glutamine at codon 398 of the CACNA1S protein. Computational prediction suggests that this variant may have deleterious impact on protein structure and function (internally defined REVEL score threshold >= 0.7, PMID: 27666373). To our knowledge, functional studies have not been reported for this variant. This variant has not been reported in individuals affected with CACNA1S-related disorders in the literature. This variant has not been identified in the general population by the Genome Aggregation Database (gnomAD). The available evidence is insufficient to determine the role of this variant in disease conclusively. Therefore, this variant is classified as a Variant of Uncertain Significance.

This study involves interpretation of variants in research participants for the purpose of population health screening. Participant phenotype was not available at the time of variant classification. Additional details can be found in publication PMID: 35346344, PMCID: PMC8962531

Genomic Diagnostic Laboratory, Division of Genomic Diagnostics, Children's Hospital of Philadelphia
Classification: Uncertain significance for Malignant hyperthermia. Last evaluated: 2015-12-22. Review status: criteria provided, single submitter. Criteria: DGD Variant Analysis Guidelines. Collection method: clinical testing. Allele origin: unknown.

NM_000069.3(CACNA1S):c.1193T>A (p.Leu398Gln)

Gene: CACNA1S (calcium voltage-gated channel subunit alpha1 S; minus strand). Cytogenetic location: 1q32.1.
Variant type: single nucleotide variant.
Coding change: c.1193T>A on transcript NM_000069.3 (MANE Select); coding-DNA position 1193, T replaced by A.
Protein change: p.Leu398Gln; replaces leucine 398 with glutamine.
Molecular consequence: missense variant.
Genome position (GRCh38, 1-based): chr1:201,084,989, A>T on the plus strand (T>A on the coding strand, the complement: CACNA1S is on the minus strand). VCF-style: chr1-201084989-A-T. GRCh37 (hg19) VCF-style: chr1-201054117-A-T.
Other names: short protein forms L398Q.
Identifiers: ClinVar variation 252460 (VCV000252460.5), dbSNP rs879255337, ClinGen allele CA10585954.